The following is an entry in ClinVar:

NM_133259.4(LRPPRC):c.1582+9A>G

Gene: LRPPRC (leucine rich pentatricopeptide repeat containing; minus strand). Cytogenetic location: 2p21.
Variant type: single nucleotide variant.
Coding change: c.1582+9A>G on transcript NM_133259.4 (MANE Select); 9 bases into the intron after coding-DNA position 1582, A replaced by G.
Molecular consequence: intron variant.
Genome position (GRCh38, 1-based): chr2:43,960,532, T>C on the plus strand (A>G on the coding strand, the complement: LRPPRC is on the minus strand). VCF-style: chr2-43960532-T-C. GRCh37 (hg19) VCF-style: chr2-44187671-T-C.
Other names: c.1582+9A>G (NM_133259.3).
Identifiers: ClinVar variation 2884618 (VCV002884618.5), dbSNP rs367772934, ClinGen allele CA1638920.

ClinVar aggregate classification (germline): Likely benign. Review status: criteria provided, single submitter (1 of 4 stars). 2 submissions from 2 submitters: Likely benign (1). 1 of the submissions does not count toward it. Last evaluated 2023-10-28.

Conditions:
LRPPRC-related disorder. Also called: LRPPRC-related condition.

Allele frequency attached by ClinVar (database versions not stated): gnomAD exomes below 0.00001; TOPMed below 0.00001; ExAC 0.00001; ESP Exome Variant Server 0.00008.
gnomAD v4.1: 3 of 1,440,902 alleles (0.00021%); highest among the groups gnomAD compares: Non-Finnish European, 0.00029%; no homozygotes.

Submissions (2):

Labcorp Genetics (formerly Invitae), Labcorp
Classification: Likely benign. Last evaluated: 2023-10-28. Review status: criteria provided, single submitter. Criteria: Invitae Variant Classification Sherloc (09022015). Collection method: clinical testing. Allele origin: germline.

PreventionGenetics, part of Exact Sciences
Classification: Likely benign for LRPPRC-related condition. Last evaluated: 2020-03-18. Review status: no assertion criteria provided. Collection method: clinical testing. Allele origin: germline. Not counted in ClinVar's aggregate classification.
Comment: This variant is classified as likely benign based on ACMG/AMP sequence variant interpretation guidelines (Richards et al. 2015 PMID: 25741868, with internal and published modifications).